The following is an entry in ClinVar:

ClinVar aggregate classification (germline): Uncertain significance. Review status: criteria provided, multiple submitters, no conflicts (2 of 4 stars). 3 submissions from 3 submitters: Uncertain significance (3). Last evaluated 2025-06-30.

Conditions:
Hereditary cancer-predisposing syndrome. Also called: Hereditary neoplastic syndrome; Tumor predisposition; Neoplastic Syndromes, Hereditary; Hereditary Cancer Syndrome. Identifiers: Orphanet 140162, MedGen C0027672, MeSH D009386, MONDO:0015356.
DICER1-related tumor predisposition. Also called: DICER1-related pleuropulmonary blastoma cancer predisposition syndrome; DICER1 syndrome. Identifiers: Orphanet 284343, MedGen C3839822, MONDO:0100216.

Submissions (3):

Labcorp Genetics (formerly Invitae), Labcorp
Classification: Uncertain significance for DICER1-related tumor predisposition. Last evaluated: 2025-06-30. Review status: criteria provided, single submitter. Criteria: Invitae Variant Classification Sherloc (09022015). Collection method: clinical testing. Allele origin: germline.
Comment: This sequence change replaces isoleucine, which is neutral and non-polar, with valine, which is neutral and non-polar, at codon 1040 of the DICER1 protein (p.Ile1040Val). This variant is not present in population databases (gnomAD no frequency). This variant has not been reported in the literature in individuals affected with DICER1-related conditions. ClinVar contains an entry for this variant (Variation ID: 432263). Invitae Evidence Modeling of protein sequence and biophysical properties (such as structural, functional, and spatial information, amino acid conservation, physicochemical variation, residue mobility, and thermodynamic stability) indicates that this missense variant is not expected to disrupt DICER1 protein function with a negative predictive value of 95%. In summary, the available evidence is currently insufficient to determine the role of this variant in disease. Therefore, it has been classified as a Variant of Uncertain Significance.

Ambry Genetics
Classification: Uncertain significance for Hereditary cancer-predisposing syndrome. Last evaluated: 2025-04-13. Review status: criteria provided, single submitter. Criteria: Ambry Variant Classification Scheme 2023. Collection method: clinical testing. Allele origin: germline.
Comment: The p.I1040V variant (also known as c.3118A>G), located in coding exon 19 of the DICER1 gene, results from an A to G substitution at nucleotide position 3118. The isoleucine at codon 1040 is replaced by valine, an amino acid with highly similar properties. This amino acid position is conserved. In addition, this alteration is predicted to be tolerated by in silico analysis. Based on the available evidence, the clinical significance of this variant remains unclear.

GeneDx
Classification: Uncertain significance. Last evaluated: 2017-06-16. Review status: criteria provided, single submitter. Criteria: GeneDx Variant Classification (06012015). Collection method: clinical testing. Allele origin: germline. Affected: yes.
Comment: The I1040V variant has not, to our knowledge, been published in the literature as pathogenic or benign. This variant was not observed in large population cohorts (NHLBI Exome Sequencing Project, The 1000 Genomes Consortium 2015, Lek et al., 2016). Since Isoleucine and Valine share similar properties, this is considered a conservative amino acid substitution. This substitution occurs at a position that is conserved across species and is located within the PAZ domain (UniProt). In silico analyses are inconsistent regarding the effect this variant may have on protein structure and function. Based on currently available evidence, we consider I1040V to be a variant of uncertain significance.

NM_177438.3(DICER1):c.3118A>G (p.Ile1040Val)

Gene: DICER1 (dicer 1, ribonuclease III; minus strand). Cytogenetic location: 14q32.13.
Variant type: single nucleotide variant.
Coding change: c.3118A>G on transcript NM_177438.3 (MANE Select); coding-DNA position 3118, A replaced by G.
Protein change: p.Ile1040Val; replaces isoleucine 1040 with valine.
Molecular consequence: missense variant.
Genome position (GRCh38, 1-based): chr14:95,105,222, T>C on the plus strand (A>G on the coding strand, the complement: DICER1 is on the minus strand). VCF-style: chr14-95105222-T-C. GRCh37 (hg19) VCF-style: chr14-95571559-T-C.
Other names: c.3118A>G, p.Ile1040Val (NM_001195573.1, NM_001271282.3, NM_001291628.2 and 1 more transcripts); short protein forms I1040V.
Identifiers: ClinVar variation 432263 (VCV000432263.13), dbSNP rs1555370052, ClinGen allele CA390876885.